The following is an entry in ClinVar:

NM_003873.7(NRP1):c.1266C>T (p.Tyr422=)

Gene: NRP1 (neuropilin 1; minus strand). Cytogenetic location: 10p11.22.
Variant type: single nucleotide variant.
Coding change: c.1266C>T on transcript NM_003873.7 (MANE Select); coding-DNA position 1266, C replaced by T.
Protein change: p.Tyr422=; no amino-acid change (tyrosine 422 retained).
Molecular consequence: synonymous variant. On other transcripts: non-coding transcript variant (1).
Genome position (GRCh38, 1-based): chr10:33,221,735, G>A on the plus strand (C>T on the coding strand, the complement: NRP1 is on the minus strand). VCF-style: chr10-33221735-G-A. GRCh37 (hg19) VCF-style: chr10-33510663-G-A.
Other names: c.1266C>T, p.Tyr422= (NM_001024628.3, NM_001024629.3, NM_001244972.2 and 2 more transcripts).
Identifiers: ClinVar variation 3060922 (VCV003060922.2), dbSNP rs2229935, ClinGen allele CA5466689.

ClinVar aggregate classification (germline): Benign (0 of 4 stars; one submission).

Conditions:
NRP1-related disorder. Also called: NRP1-related condition.

Allele frequency attached by ClinVar (database versions not stated): ESP Exome Variant Server 0.24619; gnomAD exomes 0.28024; 1000 Genomes Project 30x 0.35415; 1000 Genomes Project 0.35903; gnomAD 0.28027; TOPMed 0.28681; ExAC 0.31425.
gnomAD v4.1: 452,046 of 1,611,294 alleles (28%); highest among the groups gnomAD compares: East Asian, 62%; 67,894 homozygotes.

Submission:

PreventionGenetics, part of Exact Sciences
Classification: Benign for NRP1-related condition. Last evaluated: 2022-08-01. Review status: no assertion criteria provided. Collection method: clinical testing. Allele origin: germline.
Comment: This variant is classified as benign based on ACMG/AMP sequence variant interpretation guidelines (Richards et al. 2015 PMID: 25741868, with internal and published modifications).